The following is an entry in ClinVar:

ClinVar aggregate classification (germline): Uncertain significance (1 of 4 stars; one submission).

Submission:

GeneDx
Classification: Uncertain significance. Last evaluated: 2023-10-25. Review status: criteria provided, single submitter. Criteria: GeneDx Variant Classification Process June 2021. Collection method: clinical testing. Allele origin: germline. Affected: yes.
Comment: Not observed at significant frequency in large population cohorts (gnomAD); In silico analysis supports that this missense variant has a deleterious effect on protein structure/function; Has not been previously published as pathogenic or benign to our knowledge; This variant is associated with the following publications: (PMID: 14704354)

NM_058216.3(RAD51C):c.779G>T (p.Arg260Leu)

Gene: RAD51C (RAD51 paralog C; plus strand). Cytogenetic location: 17q22.
Variant type: single nucleotide variant.
Coding change: c.779G>T on transcript NM_058216.3 (MANE Select); coding-DNA position 779, G replaced by T.
Protein change: p.Arg260Leu; replaces arginine 260 with leucine.
Molecular consequence: missense variant. On other transcripts: non-coding transcript variant (1).
Genome position (GRCh38, 1-based): chr17:58,709,932, G>T. VCF-style: chr17-58709932-G-T. GRCh37 (hg19) VCF-style: chr17-56787293-G-T.
Other names: short protein forms R260L.
Identifiers: ClinVar variation 3363272 (VCV003363272.1).
Genomic context (GRCh38, chr17:58,709,932, plus strand): 5'-TAGTGGATGGTATTGCTTTTCCATTTCGTCATGACCTAGATGACCTGTCTCTTCGTACTC[G>T]GTTATTAAATGGCCTAGCCCAGCAAATGATCAGCCTTGCAAATAATCACAGATTAGCTGT-3'
Protein context (NP_478123.1, residues 250-270): HDLDDLSLRT[Arg260Leu]LLNGLAQQMI